The following is an entry in ClinVar:

NM_001243133.2(NLRP3):c.1659C>T (p.Ser553=)

Gene: NLRP3 (NLR family pyrin domain containing 3; plus strand). Cytogenetic location: 1q44.
Variant type: single nucleotide variant.
Coding change: c.1659C>T on transcript NM_001243133.2 (MANE Select); coding-DNA position 1659, C replaced by T.
Protein change: p.Ser553=; no amino-acid change (serine 553 retained).
Molecular consequence: synonymous variant.
Genome position (GRCh38, 1-based): chr1:247,425,108, C>T. VCF-style: chr1-247425108-C-T. GRCh37 (hg19) VCF-style: chr1-247588410-C-T.
Other names: c.1659C>T, p.Ser553= (NM_001079821.3, NM_001127461.3, NM_001127462.3 and 1 more transcripts); c.1665C>T, p.Ser555= (NM_004895.5); c.1665C>T (NM_004895.4).
Identifiers: ClinVar variation 1144947 (VCV001144947.12), dbSNP rs200224266, ClinGen allele CA1495057.

ClinVar aggregate classification (germline): Conflicting classifications of pathogenicity. Review status: criteria provided, conflicting classifications (1 of 4 stars). 4 submissions from 4 submitters: Uncertain significance (1); Likely benign (3). Last evaluated 2026-09-03.

Conditions:
NLRP3-related disorder. Also called: NLRP3-related condition; NLRP3-Related Disorders.
Cryopyrin associated periodic syndrome (CAPS). Identifiers: Orphanet 208650, MedGen C2316212, MONDO:0016168.

Allele frequency attached by ClinVar (database versions not stated): ExAC 0.00002; gnomAD exomes 0.00002; TOPMed 0.00003; gnomAD 0.00006; 1000 Genomes Project 0.00020; 1000 Genomes Project 30x 0.00031.
gnomAD v4.1: 18 of 1,614,142 alleles (0.0011%); highest among the groups gnomAD compares: Admixed American, 0.02%; 1 homozygote.

Submissions (4):

PreventionGenetics, part of Exact Sciences
Classification: Likely benign for NLRP3-related condition. Last evaluated: 2026-09-03. Review status: criteria provided, single submitter. Criteria: ACMG Guidelines, 2015. Collection method: clinical testing. Allele origin: germline.
Comment: This variant is classified as likely benign based on ACMG/AMP sequence variant interpretation guidelines (Richards et al. 2015 PMID: 25741868, with internal and published modifications).

Labcorp Genetics (formerly Invitae), Labcorp
Classification: Likely benign for Cryopyrin associated periodic syndrome. Last evaluated: 2025-06-12. Review status: criteria provided, single submitter. Criteria: Invitae Variant Classification Sherloc (09022015). Collection method: clinical testing. Allele origin: germline.

Blueprint Genetics
Classification: Likely benign. Last evaluated: 2024-08-28. Review status: criteria provided, single submitter. Criteria: ACMG Guidelines, 2015. Collection method: clinical testing. Allele origin: germline.

GeneDx
Classification: Uncertain significance. Last evaluated: 2024-04-15. Review status: criteria provided, single submitter. Criteria: GeneDx Variant Classification Process June 2021. Collection method: clinical testing. Allele origin: germline. Affected: yes.
Comment: In silico analysis indicates that this variant does not alter splicing; Has not been previously published as pathogenic or benign to our knowledge